The following is an entry in ClinVar:

NM_032930.3(CFAP300):c.524G>T (p.Cys175Phe)

Gene: CFAP300 (cilia and flagella associated protein 300; plus strand). Cytogenetic location: 11q22.1.
Variant type: single nucleotide variant.
Coding change: c.524G>T on transcript NM_032930.3 (MANE Select); coding-DNA position 524, G replaced by T.
Protein change: p.Cys175Phe; replaces cysteine 175 with phenylalanine.
Molecular consequence: missense variant. On other transcripts: 3 prime UTR variant (1).
Genome position (GRCh38, 1-based): chr11:102,075,961, G>T. VCF-style: chr11-102075961-G-T. GRCh37 (hg19) VCF-style: chr11-101946692-G-T.
Other names: c.*57G>T (NM_001195005.2); c.524G>T, p.Cys175Phe (NM_001363505.2); short protein forms C175F.
Identifiers: ClinVar variation 1681461 (VCV001681461.8), dbSNP rs777318658, ClinGen allele CA6246035.

ClinVar aggregate classification (germline): Uncertain significance (1 of 4 stars; one submission).

Allele frequency attached by ClinVar (database versions not stated): gnomAD exomes below 0.00001 and 0.00002; ExAC 0.00001; gnomAD 0.00001; TOPMed 0.00003.
gnomAD v4.1: 34 of 1,613,740 alleles (0.0021%); highest among the groups gnomAD compares: Non-Finnish European, 0.0027%; no homozygotes.

Submission:

Labcorp Genetics (formerly Invitae), Labcorp
Classification: Uncertain significance. Last evaluated: 2025-06-01. Review status: criteria provided, single submitter. Criteria: Invitae Variant Classification Sherloc (09022015). Collection method: clinical testing. Allele origin: germline.
Comment: This sequence change replaces cysteine, which is neutral and slightly polar, with phenylalanine, which is neutral and non-polar, at codon 175 of the C11orf70 protein (p.Cys175Phe). This variant is present in population databases (rs777318658, gnomAD 0.0009%). This variant has not been reported in the literature in individuals affected with C11orf70-related conditions. ClinVar contains an entry for this variant (Variation ID: 1681461). Invitae Evidence Modeling of protein sequence and biophysical properties (such as structural, functional, and spatial information, amino acid conservation, physicochemical variation, residue mobility, and thermodynamic stability) indicates that this missense variant is expected to disrupt C11orf70 protein function with a positive predictive value of 80%. In summary, the available evidence is currently insufficient to determine the role of this variant in disease. Therefore, it has been classified as a Variant of Uncertain Significance.